The following is an entry in ClinVar:

NM_001079802.2(FKTN):c.420_432dup (p.Pro145Ter)

Gene: FKTN (fukutin; plus strand). Cytogenetic location: 9q31.2.
Variant type: Duplication.
Coding change: c.420_432dup on transcript NM_001079802.2 (MANE Select); coding-DNA positions 420 to 432, 13 bases duplicated (TGAGAGTAAAGAT).
Protein change: p.Pro145Ter; replaces proline 145 with a stop codon.
Molecular consequence: nonsense. On other transcripts: non-coding transcript variant (2).
Genome position (GRCh38, 1-based): chr9:105,604,265-105,604,277, TGAGAGTAAAGAT duplicated; duplicating any 13 consecutive bases within chr9:105,604,258-105,604,277 gives the same sequence; the c. name uses the placement nearest the transcript's 3' end. VCF-style (leftmost placement, unchanged base first): chr9-105604257-C-CTAAAGATTGAGAG. GRCh37 (hg19) VCF-style: chr9-108366538-C-CTAAAGATTGAGAG.
Other names: c.420_432dup, p.Pro145Ter (NM_001198963.2, NM_001351496.2, NM_001351498.2 and 1 more transcripts); c.351_363dup, p.Pro122Ter (NM_001351497.2); c.24_36dup, p.Pro13Ter (NM_001351499.2, NM_001351500.2, NM_001351501.2 and 1 more transcripts); short protein forms P122*, P145*, P13*.
Identifiers: ClinVar variation 1350606 (VCV001350606.6), dbSNP rs2132792659, ClinGen allele CA2573143662.

ClinVar aggregate classification (germline): Pathogenic (1 of 4 stars; one submission).

Conditions:
Walker-Warburg congenital muscular dystrophy. Also called: Muscular dystrophy-dystroglycanopathy, type A; Walker-Warburg syndrome. Identifiers: Orphanet 899, MedGen C0265221, MONDO:0000171.

Submission:

Labcorp Genetics (formerly Invitae), Labcorp
Classification: Pathogenic for Walker-Warburg congenital muscular dystrophy. Last evaluated: 2020-11-03. Review status: criteria provided, single submitter. Criteria: Invitae Variant Classification Sherloc (09022015). Collection method: clinical testing. Allele origin: germline.
Comment: This sequence change creates a premature translational stop signal (p.Pro145*) in the FKTN gene. It is expected to result in an absent or disrupted protein product. Loss-of-function variants in FKTN are known to be pathogenic (PMID: 17044012, 17878207, 18752264). This variant is not present in population databases (ExAC no frequency). This variant has not been reported in the literature in individuals with FKTN-related conditions. For these reasons, this variant has been classified as Pathogenic.

Literature cited by the submitters: PubMed 17044012; PubMed 17878207; PubMed 18752264.